The following is an entry in ClinVar:

ClinVar aggregate classification (germline): Uncertain significance (1 of 4 stars; one submission).

Conditions:
POLD1-related polyposis and colorectal cancer syndrome (CRCS10). Also called: Colorectal cancer 10; COLORECTAL CANCER, SUSCEPTIBILITY TO, ON CHROMOSOME 19q; Colorectal cancer, susceptibility to, 10. Identifiers: Orphanet 220460, MedGen C2675481, MONDO:0012953, OMIM 612591.

Submission:

Labcorp Genetics (formerly Invitae), Labcorp
Classification: Uncertain significance for POLD1-related polyposis and colorectal cancer syndrome. Last evaluated: 2024-11-26. Review status: criteria provided, single submitter. Criteria: Invitae Variant Classification Sherloc (09022015). Collection method: clinical testing. Allele origin: germline.
Comment: This sequence change replaces proline, which is neutral and non-polar, with glutamine, which is neutral and polar, at codon 15 of the POLD1 protein (p.Pro15Gln). This variant is not present in population databases (gnomAD no frequency). This variant has not been reported in the literature in individuals affected with POLD1-related conditions. Experimental studies and prediction algorithms are not available or were not evaluated, and the functional significance of this variant is currently unknown. In summary, the available evidence is currently insufficient to determine the role of this variant in disease. Therefore, it has been classified as a Variant of Uncertain Significance.

NM_002691.4(POLD1):c.44C>A (p.Pro15Gln)

Gene: POLD1 (DNA polymerase delta 1, catalytic subunit; plus strand). Cytogenetic location: 19q13.33.
Variant type: single nucleotide variant.
Coding change: c.44C>A on transcript NM_002691.4 (MANE Select); coding-DNA position 44, C replaced by A.
Protein change: p.Pro15Gln; replaces proline 15 with glutamine.
Molecular consequence: missense variant. On other transcripts: non-coding transcript variant (1).
Genome position (GRCh38, 1-based): chr19:50,398,895, C>A. VCF-style: chr19-50398895-C-A. GRCh37 (hg19) VCF-style: chr19-50902152-C-A.
Other names: c.44C>A, p.Pro15Gln (NM_001256849.1, NM_001308632.1); short protein forms P15Q.
Identifiers: ClinVar variation 3726118 (VCV003726118.2).